The following is an entry in ClinVar:

NM_018367.7(ACER3):c.424_426delinsTCA (p.Pro142Ser)

Gene: ACER3 (alkaline ceramidase 3; plus strand). Cytogenetic location: 11q13.5.
Variant type: Indel.
Coding change: c.424_426delinsTCA on transcript NM_018367.7 (MANE Select); coding-DNA positions 424 to 426, CCG replaced by TCA.
Protein change: p.Pro142Ser; replaces proline 142 with serine.
Molecular consequence: missense variant.
Genome position (GRCh38, 1-based): chr11:76,990,560-76,990,562, CCG replaced by TCA. VCF-style: chr11-76990560-CCG-TCA. GRCh37 (hg19) VCF-style: chr11-76701604-CCG-TCA.
Other names: c.313_315delinsTCA, p.Pro105Ser (NM_001300953.2); c.139_141delinsTCA, p.Pro47Ser (NM_001300954.2, NM_001300955.2); short protein forms P105S, P142S, P47S.
Identifiers: ClinVar variation 4083425 (VCV004083425.1).

ClinVar aggregate classification (germline): Uncertain significance (1 of 4 stars; one submission).

Submission:

GeneDx
Classification: Uncertain significance. Last evaluated: 2025-03-14. Review status: criteria provided, single submitter. Criteria: GeneDx Variant Classification Process June 2021. Collection method: clinical testing. Allele origin: germline. Affected: yes.
Comment: Not observed at significant frequency in large population cohorts (gnomAD); In silico analysis supports that this missense variant has a deleterious effect on protein structure/function; Has not been previously published as pathogenic or benign to our knowledge